The following is an entry in ClinVar:

NM_015488.5(PNKD):c.76_103del (p.Ala26fs)

Gene: PNKD (PNKD metallo-beta-lactamase domain containing; plus strand). Cytogenetic location: 2q35.
Variant type: Deletion.
Coding change: c.76_103del on transcript NM_015488.5 (MANE Select); coding-DNA positions 76 to 103, 28 bases deleted (GCAGGAGCCACAGCTAACAAGGCTTCTC).
Protein change: p.Ala26fs; shifts the reading frame from alanine 26.
Molecular consequence: frameshift variant.
Genome position (GRCh38, 1-based): chr2:218,271,389-218,271,416, GCAGGAGCCACAGCTAACAAGGCTTCTC deleted; deleting any 28 consecutive bases within chr2:218,271,384-218,271,416 gives the same sequence; the c. name uses the placement nearest the transcript's 3' end. VCF-style (leftmost placement, unchanged base first): chr2-218271383-ATTCTCGCAGGAGCCACAGCTAACAAGGC-A. GRCh37 (hg19) VCF-style: chr2-219136106-ATTCTCGCAGGAGCCACAGCTAACAAGGC-A.
Other names: c.76_103del, p.Ala26fs (NM_001077399.3); c.76_103del (NM_015488.4); short protein forms A26fs.
Identifiers: ClinVar variation 468635 (VCV000468635.14), dbSNP rs780123062, ClinGen allele CA2103245.

ClinVar aggregate classification (germline): Conflicting classifications of pathogenicity. Review status: criteria provided, conflicting classifications (1 of 4 stars). 2 submissions from 2 submitters: Uncertain significance (1); Likely benign (1). Last evaluated 2025-09-13.

Conditions:
Paroxysmal nonkinesigenic dyskinesia. Also called: Paroxysmal non-kinesigenic dyskinesia. Identifiers: Orphanet 98810, MedGen C1869117, MONDO:0700088.

Submissions (2):

Labcorp Genetics (formerly Invitae), Labcorp
Classification: Likely benign for Paroxysmal nonkinesigenic dyskinesia. Last evaluated: 2025-09-13. Review status: criteria provided, single submitter. Criteria: Invitae Variant Classification Sherloc (09022015). Collection method: clinical testing. Allele origin: germline.

GeneDx
Classification: Uncertain significance. Last evaluated: 2023-10-13. Review status: criteria provided, single submitter. Criteria: GeneDx Variant Classification Process June 2021. Collection method: clinical testing. Allele origin: germline. Affected: yes.
Comment: Frameshift variant predicted to result in protein truncation or nonsense mediated decay in a gene for which loss-of-function is not a known mechanism of disease; Has not been previously published as pathogenic or benign to our knowledge